The following is an entry in ClinVar:

NM_016111.4(TELO2):c.31_32delinsAA (p.Ala11Asn)

Gene: TELO2 (telomere maintenance 2; plus strand). Cytogenetic location: 16p13.3.
Variant type: Indel.
Coding change: c.31_32delinsAA on transcript NM_016111.4 (MANE Select); coding-DNA positions 31 to 32, GC replaced by AA.
Protein change: p.Ala11Asn; replaces alanine 11 with asparagine.
Molecular consequence: missense variant.
Genome position (GRCh38, 1-based): chr16:1,494,312-1,494,313, GC replaced by AA. VCF-style: chr16-1494312-GC-AA. GRCh37 (hg19) VCF-style: chr16-1544313-GC-AA.
Other names: c.31_32delinsAA, p.Ala11Asn (NM_001351846.2); short protein forms A11N.
Identifiers: ClinVar variation 1334826 (VCV001334826.7), dbSNP rs2142446269, ClinGen allele CA2573054138.

ClinVar aggregate classification (germline): Uncertain significance. Review status: criteria provided, multiple submitters, no conflicts (2 of 4 stars). 2 submissions from 2 submitters: Uncertain significance (2). Last evaluated 2024-12-24.

Submissions (2):

Labcorp Genetics (formerly Invitae), Labcorp
Classification: Uncertain significance. Last evaluated: 2024-12-24. Review status: criteria provided, single submitter. Criteria: Invitae Variant Classification Sherloc (09022015). Collection method: clinical testing. Allele origin: germline.
Comment: This sequence change replaces alanine, which is neutral and non-polar, with asparagine, which is neutral and polar, at codon 11 of the TELO2 protein (p.Ala11Asn). This variant is present in population databases (no rsID available, gnomAD 0.1%), including at least one homozygous and/or hemizygous individual. This variant has not been reported in the literature in individuals affected with TELO2-related conditions. ClinVar contains an entry for this variant (Variation ID: 1334826). An algorithm developed to predict the effect of missense changes on protein structure and function (PolyPhen-2) suggests that this variant¬†is likely to be tolerated. In summary, the available evidence is currently insufficient to determine the role of this variant in disease. Therefore, it has been classified as a Variant of Uncertain Significance.

Genetic Services Laboratory, University of Chicago
Classification: Uncertain significance. Last evaluated: 2018-10-18. Review status: criteria provided, single submitter. Criteria: ACMG Guidelines, 2015. Collection method: clinical testing. Allele origin: germline. Affected: no.